The following is an entry in ClinVar:

NM_002691.4(POLD1):c.379G>T (p.Ala127Ser)

Gene: POLD1 (DNA polymerase delta 1, catalytic subunit; plus strand). Cytogenetic location: 19q13.33.
Variant type: single nucleotide variant.
Coding change: c.379G>T on transcript NM_002691.4 (MANE Select); coding-DNA position 379, G replaced by T.
Protein change: p.Ala127Ser; replaces alanine 127 with serine.
Molecular consequence: missense variant. On other transcripts: non-coding transcript variant (1).
Genome position (GRCh38, 1-based): chr19:50,401,840, G>T. VCF-style: chr19-50401840-G-T. GRCh37 (hg19) VCF-style: chr19-50905097-G-T.
Other names: c.379G>T, p.Ala127Ser (NM_001256849.1, NM_001308632.1); short protein forms A127S.
Identifiers: ClinVar variation 469349 (VCV000469349.8), dbSNP rs372299975, ClinGen allele CA406972336.

ClinVar aggregate classification (germline): Uncertain significance (1 of 4 stars; one submission).

Conditions:
POLD1-related polyposis and colorectal cancer syndrome (CRCS10). Also called: Colorectal cancer 10; COLORECTAL CANCER, SUSCEPTIBILITY TO, ON CHROMOSOME 19q; Colorectal cancer, susceptibility to, 10. Identifiers: Orphanet 220460, MedGen C2675481, MONDO:0012953, OMIM 612591.

Submission:

Labcorp Genetics (formerly Invitae), Labcorp
Classification: Uncertain significance for POLD1-related polyposis and colorectal cancer syndrome. Last evaluated: 2017-07-31. Review status: criteria provided, single submitter. Criteria: Invitae Variant Classification Sherloc (09022015). Collection method: clinical testing. Allele origin: germline.
Comment: In summary, the available evidence is currently insufficient to determine the role of this variant in disease. Therefore, it has been classified as a Variant of Uncertain Significance. Algorithms developed to predict the effect of missense changes on protein structure and function do not agree on the potential impact of this missense change (SIFT: "Deleterious"; PolyPhen-2: "Benign"; Align-GVGD: "Class C0"). This variant has not been reported in the literature in individuals with POLD1-related disease. This sequence change replaces alanine with serine at codon 127 of the POLD1 protein (p.Ala127Ser). The alanine residue is weakly conserved and there is a moderate physicochemical difference between alanine and serine. This variant is not present in population databases (ExAC no frequency).